The following is an entry in ClinVar:

NM_000692.5(ALDH1B1):c.627G>A (p.Lys209=)

Gene: ALDH1B1 (aldehyde dehydrogenase 1 family member B1; plus strand). Cytogenetic location: 9p13.1.
Variant type: single nucleotide variant.
Coding change: c.627G>A on transcript NM_000692.5 (MANE Select); coding-DNA position 627, G replaced by A.
Protein change: p.Lys209=; no amino-acid change (lysine 209 retained).
Molecular consequence: synonymous variant.
Genome position (GRCh38, 1-based): chr9:38,396,375, G>A. VCF-style: chr9-38396375-G-A. GRCh37 (hg19) VCF-style: chr9-38396372-G-A.
Other names: p.K209K:AAG>AAA.
Identifiers: ClinVar variation 136364 (VCV000136364.5), dbSNP rs145426005, ClinGen allele CA289396.
Genomic context (GRCh38, chr9:38,396,375, plus strand): 5'-GGTCATGCAGGGTTGGAAACTTGCCCCGGCACTCGCCACAGGCAACACTGTGGTTATGAA[G>A]GTGGCAGAGCAGACCCCCCTCTCTGCCCTGTATTTGGCCTCCCTCATCAAGGAGGCAGGC-3'
Protein context (NP_000683.3, residues 199-219): ALATGNTVVM[Lys209=]VAEQTPLSAL

ClinVar aggregate classification (germline): Benign. Review status: criteria provided, multiple submitters, no conflicts (2 of 4 stars). 3 submissions from 3 submitters: Benign (3). Last evaluated 2018-07-13.

Allele frequency attached by ClinVar (database versions not stated): gnomAD 0.00495 and 0.00503; gnomAD exomes 0.00511 and 0.00467; TOPMed 0.00583; ExAC 0.00485; 1000 Genomes Project 0.00439; ESP Exome Variant Server 0.00684.
gnomAD v4.1: 8,311 of 1,614,148 alleles (0.51%); highest among the groups gnomAD compares: Middle Eastern, 1.4%; 37 homozygotes.

Submissions (3):

Labcorp Genetics (formerly Invitae), Labcorp
Classification: Benign. Last evaluated: 2018-07-13. Review status: criteria provided, single submitter. Criteria: Invitae Variant Classification Sherloc (09022015). Collection method: clinical testing. Allele origin: germline.

GeneDx
Classification: Benign. Last evaluated: 2014-03-19. Review status: criteria provided, single submitter. Criteria: GeneDx Variant Classification (06012015). Collection method: clinical testing. Allele origin: germline. Affected: yes.
Comment: This variant is considered likely benign or benign based on one or more of the following criteria: it is a conservative change, it occurs at a poorly conserved position in the protein, it is predicted to be benign by multiple in silico algorithms, and/or has population frequency not consistent with disease.

Breakthrough Genomics
Classification: Benign. Review status: criteria provided, single submitter. Criteria: ACMG Guidelines, 2015. Collection method: not provided. Allele origin: germline. Inheritance: Unknown mechanism. Affected: yes.